The following is an entry in ClinVar:

ClinVar aggregate classification (germline): Uncertain significance (1 of 4 stars; one submission).

Allele frequency attached by ClinVar (database versions not stated): gnomAD exomes 0.00001.
gnomAD v4.1: 12 of 1,610,820 alleles (0.00074%); highest among the groups gnomAD compares: Non-Finnish European, 0.001%; no homozygotes.

Submission:

Ambry Genetics
Classification: Uncertain significance. Last evaluated: 2025-10-23. Review status: criteria provided, single submitter. Criteria: Ambry Variant Classification Scheme 2023. Collection method: clinical testing. Allele origin: germline.
Comment: The p.N182H variant (also known as c.544A>C), located in coding exon 1 of the EGLN1 gene, results from an A to C substitution at nucleotide position 544. The asparagine at codon 182 is replaced by histidine, an amino acid with similar properties. This amino acid position is conserved. In addition, this alteration is predicted to be tolerated by in silico analysis. Since supporting evidence is limited at this time, the clinical significance of this alteration remains unclear.

NM_022051.3(EGLN1):c.544A>C (p.Asn182His)

Gene: EGLN1 (egl-9 family hypoxia inducible factor 1; minus strand). Cytogenetic location: 1q42.2.
Variant type: single nucleotide variant.
Coding change: c.544A>C on transcript NM_022051.3 (MANE Select); coding-DNA position 544, A replaced by C.
Protein change: p.Asn182His; replaces asparagine 182 with histidine.
Molecular consequence: missense variant.
Genome position (GRCh38, 1-based): chr1:231,421,345, T>G on the plus strand (A>C on the coding strand, the complement: EGLN1 is on the minus strand). VCF-style: chr1-231421345-T-G. GRCh37 (hg19) VCF-style: chr1-231557091-T-G.
Other names: c.544A>C, p.Asn182His (NM_001377260.1, NM_001377261.1); short protein forms N182H.
Identifiers: ClinVar variation 1747584 (VCV001747584.3), dbSNP rs1191315717, ClinGen allele CA345236684.
Genomic context (GRCh38, chr1:231,421,345, plus strand): 5'-TGCACGGCACGATGTACTCGAGCGCCAGCTTCAGCGCCGGCAGGGGCTTCGTCTGCCCGT[T>G]GGGCCGCAGGCCGCCGCCGGGGCTCAGCGCATCCCCGGGCGTGTTGCTTGGGGGGTACAG-3'
Protein context (NP_071334.1, residues 172-192): ALSPGGGLRP[Asn182His]GQTKPLPALK